The following is an entry in ClinVar:

NM_001164508.2(NEB):c.23910_23913dup (p.Glu7972fs)

Genes: NEB (nebulin; minus strand), RIF1 (replication timing regulatory factor 1; plus strand). Cytogenetic location: 2q23.3.
Variant type: Duplication.
Coding change: c.23910_23913dup on transcript NM_001164508.2 (MANE Select); coding-DNA positions 23910 to 23913, 4 bases duplicated (TCAA; older notation c.23910_23913dupTCAA).
Protein change: p.Glu7972fs; shifts the reading frame from glutamic acid 7972.
Molecular consequence: frameshift variant.
Genome position (GRCh38, 1-based): chr2:151,502,808-151,502,811, TTGA duplicated on the plus strand (TCAA on the coding strand, the reverse complement: NEB is on the minus strand); duplicating any 4 consecutive bases within chr2:151,502,808-151,502,814 gives the same sequence; the c. name uses the placement nearest the transcript's 3' end. VCF-style (leftmost placement, unchanged base first): chr2-151502807-C-CTTGA. GRCh37 (hg19) VCF-style: chr2-152359321-C-CTTGA.
Other names: NM_001164508.2(NEB):c.23910_23913dup; p.Glu7972fs; c.23910_23913dup, p.Glu7972fs (NM_001164507.2); c.24015_24018dup, p.Glu8007fs (NM_001271208.2); c.18807_18810dup, p.Glu6271fs (NM_004543.5); c.24015_24018dupTCAA (NM_001271208.1); short protein forms E7972fs, E8007fs, E6271fs.
Identifiers: ClinVar variation 556771 (VCV000556771.14), dbSNP rs761694639, ClinGen allele CA1906196.

ClinVar aggregate classification (germline): Pathogenic/Likely pathogenic. Review status: criteria provided, multiple submitters, no conflicts (2 of 4 stars). 4 submissions from 4 submitters: Pathogenic (2); Likely pathogenic (1). 1 of the submissions does not count toward it. Last evaluated 2025-02-26.

Conditions:
Nemaline myopathy. Also called: Myopathies, Nemaline. Identifiers: Orphanet 607, MedGen C0206157, MONDO:0018958.
Nemaline myopathy 2 (NEM2). Also called: Nemaline myopathy 2, autosomal recessive. Identifiers: MedGen C1850569, MONDO:0009725, OMIM 256030.

Submissions (4):

Broad Center for Mendelian Genomics, Broad Institute of MIT and Harvard
Classification: Likely pathogenic for Nemaline myopathy. Last evaluated: 2025-02-26. Review status: criteria provided, single submitter. Criteria: ACMG Guidelines, 2015. Collection method: curation. Allele origin: germline. Inheritance: Autosomal recessive inheritance.
Comment: The p.Glu7972SerfsTer5 variant in NEB has not been previously reported in the literature in individuals with nemaline myopathy, but has been identified in 0.002% (1/44458) of East Asian chromosomes by the Genome Aggregation Database (gnomAD; dbSNP ID: rs761694639). Although this variant has been seen in the general population in a heterozygous state, its frequency is low enough to be consistent with a recessive carrier frequency. This variant has also been reported in ClinVar (Variation ID: 556771) and has been interpreted as pathogenic by Invitae and PerkinElmer Genomics and as a variant of uncertain significance by Counsyl. This variant is predicted to cause a frameshift, which alters the protein‚Äôs amino acid sequence beginning at position 7972 and leads to a premature termination codon 5 amino acids downstream. This alteration is then predicted to lead to a truncated or absent protein. Loss of function of the NEB gene is an established disease mechanism in autosomal recessive nemaline myopathy. In summary, although additional studies are required to fully establish its clinical significance, this variant is likely pathogenic for autosomal recessive nemaline myopathy. ACMG/AMP Criteria applied: PVS1, PM2_supporting (Richards 2015).

Labcorp Genetics (formerly Invitae), Labcorp
Classification: Pathogenic for Nemaline myopathy 2. Last evaluated: 2023-05-18. Review status: criteria provided, single submitter. Criteria: Invitae Variant Classification Sherloc (09022015). Collection method: clinical testing. Allele origin: germline.
Comment: For these reasons, this variant has been classified as Pathogenic. Algorithms developed to predict the effect of sequence changes on RNA splicing suggest that this variant may disrupt the consensus splice site. ClinVar contains an entry for this variant (Variation ID: 556771). This variant has not been reported in the literature in individuals affected with NEB-related conditions. This variant is present in population databases (rs761694639, gnomAD 0.006%). This sequence change creates a premature translational stop signal (p.Glu8007Serfs*5) in the NEB gene. It is expected to result in an absent or disrupted protein product. Loss-of-function variants in NEB are known to be pathogenic (PMID: 25205138).

Revvity Omics, Revvity
Classification: Pathogenic. Last evaluated: 2019-08-30. Review status: criteria provided, single submitter. Criteria: ACMG Guidelines, 2015. Collection method: clinical testing. Allele origin: germline.

Counsyl
Classification: Uncertain significance for Nemaline myopathy 2. Last evaluated: 2018-02-23. Review status: flagged submission. Collection method: clinical testing. Allele origin: unknown. Not counted in ClinVar's aggregate classification.
ClinVar note: Reason: Older and outlier claim with insufficient supporting evidence

Literature cited by the submitters: PubMed 25205138 (cited by Labcorp Genetics (formerly Invitae), Labcorp).